The following is an entry in ClinVar:

NM_000939.4(POMC):c.755C>T (p.Thr252Met)

Gene: POMC (proopiomelanocortin; minus strand). Cytogenetic location: 2p23.3.
Variant type: single nucleotide variant.
Coding change: c.755C>T on transcript NM_000939.4 (MANE Select); coding-DNA position 755, C replaced by T.
Protein change: p.Thr252Met; replaces threonine 252 with methionine.
Molecular consequence: missense variant.
Genome position (GRCh38, 1-based): chr2:25,161,130, G>A on the plus strand (C>T on the coding strand, the complement: POMC is on the minus strand). VCF-style: chr2-25161130-G-A. GRCh37 (hg19) VCF-style: chr2-25383999-G-A.
Other names: c.755C>T, p.Thr252Met (NM_001035256.3, NM_001319204.2, NM_001319205.2); c.755C>T (NM_001035256.1); short protein forms T252M.
Identifiers: ClinVar variation 3352297 (VCV003352297.3).
Genomic context (GRCh38, chr2:25,161,130, plus strand): 5'-CCGCTGTGCCCTCACTCGCCCTTCTTGTAGGCGTTCTTGATGATGGCGTTTTTGAACAGC[G>A]TCACCAGGGGCGTCTGGCTCTTCTCGGAGGTCATGAAACCGCCGTAGCGCTTGTCCTTGG-3'
Protein context (NP_000930.1, residues 242-262): TSEKSQTPLV[Thr252Met]LFKNAIIKNA

ClinVar aggregate classification (germline): Uncertain significance. Review status: criteria provided, multiple submitters, no conflicts (2 of 4 stars). 3 submissions from 3 submitters: Uncertain significance (2). 1 of the submissions does not count toward it. Last evaluated 2025-03-07.

Conditions:
POMC-related disorder. Also called: POMC-related disorders; POMC-related condition.
Inborn genetic diseases. Identifiers: MedGen C0950123, MeSH D030342.

gnomAD v4.1: 20 of 1,613,744 alleles (0.0012%); highest among the groups gnomAD compares: Middle Eastern, 0.049%; no homozygotes.

Submissions (3):

GeneDx
Classification: Uncertain significance. Last evaluated: 2025-03-07. Review status: criteria provided, single submitter. Criteria: GeneDx Variant Classification Process June 2021. Collection method: clinical testing. Allele origin: germline. Affected: yes.
Comment: Identified in a large scale study looking at genes that affect adult body mass index, but specific clinical information was not provided (PMID: 37601970); In silico analysis supports that this missense variant has a deleterious effect on protein structure/function; Not observed at significant frequency in large population cohorts (gnomAD); This variant is associated with the following publications: (PMID: 37601970)

Ambry Genetics
Classification: Uncertain significance for Inborn genetic diseases. Last evaluated: 2025-02-25. Review status: criteria provided, single submitter. Criteria: Ambry Variant Classification Scheme 2023. Collection method: clinical testing. Allele origin: germline.

PreventionGenetics, part of Exact Sciences
Classification: Uncertain significance for POMC-related condition. Last evaluated: 2024-07-15. Review status: no assertion criteria provided. Collection method: clinical testing. Allele origin: germline. Not counted in ClinVar's aggregate classification.
Comment: The POMC c.755C>T variant is predicted to result in the amino acid substitution p.Thr252Met. This variant has been reported in a cohort of individuals with obesity; in vitro functional studies showed this variant did not reduce protein function and could cause increased function (Supplemental Data Set 3, Shah et al. 2023. PubMed ID: 36864747). This variant is reported in 0.0065% of alleles in individuals of European (non-Finnish) descent in gnomAD. At this time, the clinical significance of this variant is uncertain due to the absence of conclusive functional and genetic evidence.